The following is an entry in ClinVar:

NM_024529.5(CDC73):c.1078C>T (p.Pro360Ser)

Gene: CDC73 (cell division cycle 73; plus strand). Cytogenetic location: 1q31.2.
Variant type: single nucleotide variant.
Coding change: c.1078C>T on transcript NM_024529.5 (MANE Select); coding-DNA position 1078, C replaced by T.
Protein change: p.Pro360Ser; replaces proline 360 with serine.
Molecular consequence: missense variant.
Genome position (GRCh38, 1-based): chr1:193,212,401, C>T. VCF-style: chr1-193212401-C-T. GRCh37 (hg19) VCF-style: chr1-193181531-C-T.
Other names: short protein forms P360S.
Identifiers: ClinVar variation 572624 (VCV000572624.10), dbSNP rs770734388, ClinGen allele CA1303768.
Genomic context (GRCh38, chr1:193,212,401, plus strand): 5'-GTATAATTTCTAATAATATATTTTCTACCTGTAAATTTTGTCTTTATAGGATCTCGAACA[C>T]CCATTATCATAATTCCTGCAGCTACCACCTCTTTAATAACCATGCTTAATGCAAAAGACC-3'
Protein context (NP_078805.3, residues 350-370): PPNQKKGSRT[Pro360Ser]IIIIPAATTS

ClinVar aggregate classification (germline): Uncertain significance. Review status: criteria provided, multiple submitters, no conflicts (2 of 4 stars). 2 submissions from 2 submitters: Uncertain significance (2). Last evaluated 2024-04-27.

Conditions:
Parathyroid carcinoma (PRTC). Also called: CDC73-Related Parathyroid Carcinoma; Parathyroid gland carcinoma. Identifiers: Orphanet 143, MedGen C0687150, MONDO:0012004, OMIM 608266, HP:0006780.
Hereditary cancer-predisposing syndrome. Also called: Neoplastic Syndromes, Hereditary; Hereditary Cancer Syndrome; Tumor predisposition; Hereditary neoplastic syndrome. Identifiers: Orphanet 140162, MedGen C0027672, MeSH D009386, MONDO:0015356.

Allele frequency attached by ClinVar (database versions not stated): gnomAD exomes below 0.00001 and 0.00001; ExAC 0.00001.
gnomAD v4.1: 10 of 1,599,550 alleles (0.00063%); highest among the groups gnomAD compares: South Asian, 0.0011%; no homozygotes.

Submissions (2):

Ambry Genetics
Classification: Uncertain significance for Hereditary cancer-predisposing syndrome. Last evaluated: 2024-04-27. Review status: criteria provided, single submitter. Criteria: Ambry Variant Classification Scheme 2023. Collection method: clinical testing. Allele origin: germline.
Comment: The p.P360S variant (also known as c.1078C>T), located in coding exon 13 of the CDC73 gene, results from a C to T substitution at nucleotide position 1078. The proline at codon 360 is replaced by serine, an amino acid with similar properties. This amino acid position is conserved. In addition, this alteration is predicted to be deleterious by in silico analysis. Based on the available evidence, the clinical significance of this variant remains unclear.

Labcorp Genetics (formerly Invitae), Labcorp
Classification: Uncertain significance for Parathyroid carcinoma. Last evaluated: 2022-02-10. Review status: criteria provided, single submitter. Criteria: Invitae Variant Classification Sherloc (09022015). Collection method: clinical testing. Allele origin: germline.
Comment: In summary, the available evidence is currently insufficient to determine the role of this variant in disease. Therefore, it has been classified as a Variant of Uncertain Significance. Algorithms developed to predict the effect of missense changes on protein structure and function are either unavailable or do not agree on the potential impact of this missense change (SIFT: "Deleterious"; PolyPhen-2: "Probably Damaging"; Align-GVGD: "Class C0"). ClinVar contains an entry for this variant (Variation ID: 572624). This variant has not been reported in the literature in individuals affected with CDC73-related conditions. This variant is present in population databases (rs770734388, gnomAD 0.003%). This sequence change replaces proline, which is neutral and non-polar, with serine, which is neutral and polar, at codon 360 of the CDC73 protein (p.Pro360Ser).